The following is an entry in ClinVar:

NM_014017.4(LAMTOR2):c.174del (p.Asn59fs)

Genes: LAMTOR2 (late endosomal/lysosomal adaptor, MAPK and MTOR activator 2; plus strand), LOC129931594 (ATAC-STARR-seq lymphoblastoid active region 1836; plus strand). Cytogenetic location: 1q22.
Variant type: Deletion.
Coding change: c.174del on transcript NM_014017.4 (MANE Select); coding-DNA position 174, one base deleted (G; older notation c.174delG).
Protein change: p.Asn59fs; shifts the reading frame from asparagine 59.
Molecular consequence: frameshift variant.
Genome position (GRCh38, 1-based): chr1:156,055,368, G deleted; the last of 2 consecutive G bases (chr1:156,055,367-156,055,368); deleting either gives the same sequence. VCF-style (leftmost placement, unchanged base first): chr1-156055366-CG-C. GRCh37 (hg19) VCF-style: chr1-156025157-CG-C.
Other names: c.174del, p.Asn59fs (NM_001145264.2); short protein forms N59fs.
Identifiers: ClinVar variation 2121622 (VCV002121622.4), dbSNP rs2527689716, ClinGen allele CA2580061147.

ClinVar aggregate classification (germline): Uncertain significance (1 of 4 stars; one submission).

Submission:

Labcorp Genetics (formerly Invitae), Labcorp
Classification: Uncertain significance. Last evaluated: 2022-04-04. Review status: criteria provided, single submitter. Criteria: Invitae Variant Classification Sherloc (09022015). Collection method: clinical testing. Allele origin: germline.
Comment: This sequence change creates a premature translational stop signal (p.Asn59Thrfs*23) in the LAMTOR2 gene. It is expected to result in an absent or disrupted protein product. However, the current clinical and genetic evidence is not sufficient to establish whether loss-of-function variants in LAMTOR2 cause disease. This variant is not present in population databases (gnomAD no frequency). This variant has not been reported in the literature in individuals affected with LAMTOR2-related conditions. In summary, the available evidence is currently insufficient to determine the role of this variant in disease. Therefore, it has been classified as a Variant of Uncertain Significance.